The following is an entry in ClinVar:

NM_153704.6(TMEM67):c.1370C>G (p.Thr457Ser)

Gene: TMEM67 (transmembrane protein 67; plus strand). Cytogenetic location: 8q22.1.
Variant type: single nucleotide variant.
Coding change: c.1370C>G on transcript NM_153704.6 (MANE Select); coding-DNA position 1370, C replaced by G.
Protein change: p.Thr457Ser; replaces threonine 457 with serine.
Molecular consequence: missense variant. On other transcripts: non-coding transcript variant (1).
Genome position (GRCh38, 1-based): chr8:93,786,304, C>G. VCF-style: chr8-93786304-C-G. GRCh37 (hg19) VCF-style: chr8-94798532-C-G.
Other names: c.1127C>G, p.Thr376Ser (NM_001142301.1); short protein forms T376S, T457S.
Identifiers: ClinVar variation 4997158 (VCV004997158.1).

ClinVar aggregate classification (germline): Uncertain significance (1 of 4 stars; one submission).

Conditions:
TMEM67-related disorder. Also called: TMEM67-related disorders; TMEM67-related condition. Identifiers: MedGen CN239423.

gnomAD v4.1: 1 of 1,614,000 alleles (0.000062%); highest among the groups gnomAD compares: Admixed American, 0.0017%; no homozygotes.

Submission:

PreventionGenetics, part of Exact Sciences
Classification: Uncertain significance for TMEM67-related condition. Last evaluated: 2025-04-24. Review status: criteria provided, single submitter. Criteria: ACMG Guidelines, 2015. Collection method: clinical testing. Allele origin: germline.
Comment: The TMEM67 c.1370C>G variant is predicted to result in the amino acid substitution p.Thr457Ser. To our knowledge, this variant has not been reported in the literature. This variant is reported in 0.0029% of alleles in individuals of Latino descent in gnomAD. At this time, the clinical significance of this variant is uncertain due to the absence of conclusive functional and genetic evidence.